The following is an entry in ClinVar:

NM_006017.3(PROM1):c.786G>A (p.Ala262=)

Gene: PROM1 (prominin 1; minus strand). Cytogenetic location: 4p15.32.
Variant type: single nucleotide variant.
Coding change: c.786G>A on transcript NM_006017.3 (MANE Select); coding-DNA position 786, G replaced by A.
Protein change: p.Ala262=; no amino-acid change (alanine 262 retained).
Molecular consequence: synonymous variant.
Genome position (GRCh38, 1-based): chr4:16,018,539, C>T on the plus strand (G>A on the coding strand, the complement: PROM1 is on the minus strand). VCF-style: chr4-16018539-C-T. GRCh37 (hg19) VCF-style: chr4-16020162-C-T.
Other names: c.759G>A, p.Ala253= (NM_001145847.2, NM_001145848.2, NM_001145851.2 and 4 more transcripts); c.786G>A, p.Ala262= (NM_001145849.2, NM_001145850.2).
Identifiers: ClinVar variation 259907 (VCV000259907.23), dbSNP rs2286455, ClinGen allele CA2866949.

ClinVar aggregate classification (germline): Benign. Review status: criteria provided, multiple submitters, no conflicts (2 of 4 stars). 12 submissions from 9 submitters: Benign (10). 2 of the submissions do not count toward it. Last evaluated 2026-02-02.

Conditions:
Retinal macular dystrophy type 2 (MCDR2). Also called: Bull's eye macular dystrophy. Identifiers: Orphanet 319640, MedGen C4749334, MONDO:0011957, OMIM 608051.
Cone-rod dystrophy 12 (CORD12). Identifiers: Orphanet 1872, MedGen C2675210, MONDO:0012983, OMIM 612657.
Stargardt disease 4 (STGD4). Identifiers: Orphanet 827, MedGen C1863534, MONDO:0011370, OMIM 603786.
Retinal dystrophy. Also called: Inherited retinal dystrophy. Identifiers: Orphanet 71862, MedGen C0854723, MeSH D058499, MONDO:0019118, HP:0000556.
Retinitis pigmentosa (RP). Identifiers: Orphanet 791, MedGen C0035334, MeSH D012174, MONDO:0019200, OMIM 268000. Inheritance: Autosomal dominant, autosomal recessive and X linked inheritance.

Allele frequency attached by ClinVar (database versions not stated): ESP Exome Variant Server 0.08381; gnomAD 0.09727 and 0.10389; TOPMed 0.10339; 1000 Genomes Project 30x 0.13179; 1000 Genomes Project 0.13818; gnomAD exomes 0.14296; ExAC 0.17357.
gnomAD v4.1: 185,914 of 1,602,056 alleles (12%); highest among the groups gnomAD compares: East Asian, 27%; 12,324 homozygotes.

Submissions (12):

Labcorp Genetics (formerly Invitae), Labcorp
Classification: Benign. Last evaluated: 2026-02-02. Review status: criteria provided, single submitter. Criteria: Invitae Variant Classification Sherloc (09022015). Collection method: clinical testing. Allele origin: germline.

Blueprint Genetics
Classification: Benign. Last evaluated: 2024-11-26. Review status: criteria provided, single submitter. Criteria: ACMG Guidelines, 2015. Collection method: clinical testing. Allele origin: germline.

Dept Of Ophthalmology, Nagoya University
Classification: Benign for Retinal dystrophy. Last evaluated: 2023-10-01. Review status: criteria provided, single submitter. Criteria: Submitter's publication. Collection method: research. Allele origin: germline. Affected: yes.

GeneDx
Classification: Benign. Last evaluated: 2018-05-16. Review status: criteria provided, single submitter. Criteria: GeneDx Variant Classification (06012015). Collection method: clinical testing. Allele origin: germline. Affected: yes.
Comment: This variant is considered likely benign or benign based on one or more of the following criteria: it is a conservative change, it occurs at a poorly conserved position in the protein, it is predicted to be benign by multiple in silico algorithms, and/or has population frequency not consistent with disease.

Illumina Laboratory Services, Illumina
Classification: Benign for Stargardt disease 4. Last evaluated: 2018-01-13. Review status: criteria provided, single submitter. Criteria: ICSL Variant Classification Criteria 13 December 2019. Collection method: clinical testing. Allele origin: germline.
Comment: This variant was observed in the ICSL laboratory as part of a predisposition screen in an ostensibly healthy population. It had not been previously curated by ICSL or reported in the Human Gene Mutation Database (HGMD: prior to June 1st, 2018), and was therefore a candidate for classification through an automated scoring system. Utilizing variant allele frequency, disease prevalence and penetrance estimates, and inheritance mode, an automated score was calculated to assess if this variant is too frequent to cause the disease. Based on the score and internal cut-off values, a variant classified as benign is not then subjected to further curation. The score for this variant resulted in a classification of benign for this disease.

Illumina Laboratory Services, Illumina
Classification: Benign for Cone-rod dystrophy 12. Last evaluated: 2018-01-13. Review status: criteria provided, single submitter. Criteria: ICSL Variant Classification Criteria 13 December 2019. Collection method: clinical testing. Allele origin: germline.
Comment: the same text as in the submission from Illumina Laboratory Services, Illumina above.

Illumina Laboratory Services, Illumina
Classification: Benign for Retinitis pigmentosa. Last evaluated: 2018-01-13. Review status: criteria provided, single submitter. Criteria: ICSL Variant Classification Criteria 13 December 2019. Collection method: clinical testing. Allele origin: germline.
Comment: the same text as in the submission from Illumina Laboratory Services, Illumina above.

Illumina Laboratory Services, Illumina
Classification: Benign for Retinal macular dystrophy type 2. Last evaluated: 2018-01-13. Review status: criteria provided, single submitter. Criteria: ICSL Variant Classification Criteria 13 December 2019. Collection method: clinical testing. Allele origin: germline.
Comment: the same text as in the submission from Illumina Laboratory Services, Illumina above.

Breakthrough Genomics
Classification: Benign. Review status: criteria provided, single submitter. Criteria: ACMG Guidelines, 2015. Collection method: not provided. Allele origin: germline. Inheritance: Autosomal recessive inheritance. Affected: yes.

PreventionGenetics, part of Exact Sciences
Classification: Benign. Review status: criteria provided, single submitter. Criteria: ACMG Guidelines, 2015. Collection method: clinical testing. Allele origin: germline.

Diagnostic Laboratory, Department of Genetics, University Medical Center Groningen
Classification: Benign. Review status: no assertion criteria provided. Collection method: clinical testing. Allele origin: germline. Affected: yes. Study: VKGL Data-share Consensus. Not counted in ClinVar's aggregate classification.

Joint Genome Diagnostic Labs from Nijmegen and Maastricht, Radboudumc and MUMC+
Classification: Benign. Review status: no assertion criteria provided. Collection method: clinical testing. Allele origin: germline. Affected: yes. Study: VKGL Data-share Consensus. Not counted in ClinVar's aggregate classification.